The following is an entry in ClinVar:

ClinVar aggregate classification (germline): Conflicting classifications of pathogenicity. Review status: criteria provided, conflicting classifications (1 of 4 stars). 4 submissions from 4 submitters: Uncertain significance (3); Likely benign (1). Last evaluated 2024-03-06.

Conditions:
Hypertrophic cardiomyopathy. Also called: HYPERTROPHIC MYOCARDIOPATHY. Identifiers: Orphanet 217569, MedGen C0007194, MeSH D002312, MONDO:0005045, HP:0001639.
Cardiovascular phenotype. Identifiers: MedGen CN230736.
Cardiomyopathy (CMYO). Also called: Cardiomyopathies. Identifiers: Orphanet 167848, MedGen C0878544, MONDO:0004994, HP:0001638. Inheritance: Various modes of inheritance.

Allele frequency attached by ClinVar (database versions not stated): gnomAD exomes below 0.00001; TOPMed below 0.00001.

Submissions (4):

Color Diagnostics, LLC DBA Color Health
Classification: Uncertain significance for Cardiomyopathy. Last evaluated: 2024-03-06. Review status: criteria provided, single submitter. Criteria: ACMG Guidelines, 2015. Collection method: clinical testing. Allele origin: germline.
Comment: This missense variant replaces methionine with valine at codon 1199 of the MYBPC3 protein. Computational prediction suggests that this variant may not impact protein structure and function (internally defined REVEL score threshold <= 0.5, PMID: 27666373). To our knowledge, functional studies have not been reported for this variant. This variant has not been reported in individuals affected with MYBPC3-related disorders in the literature. This variant has been identified in 1/248986 chromosomes in the general population by the Genome Aggregation Database (gnomAD). The available evidence is insufficient to determine the role of this variant in disease conclusively. Therefore, this variant is classified as a Variant of Uncertain Significance.

Ambry Genetics
Classification: Likely benign for Cardiovascular phenotype. Last evaluated: 2023-10-15. Review status: criteria provided, single submitter. Criteria: Ambry Variant Classification Scheme 2023. Collection method: clinical testing. Allele origin: germline.

All of Us Research Program, National Institutes of Health
Classification: Uncertain significance for Hypertrophic cardiomyopathy. Last evaluated: 2023-08-28. Review status: criteria provided, single submitter. Criteria: ACMG Guidelines, 2015. Collection method: clinical testing. Allele origin: germline. Inheritance: Autosomal dominant inheritance. Observed: 1 variant allele, 1 heterozygote.
Comment: This missense variant replaces methionine with valine at codon 1199 of the MYBPC3 protein. Computational prediction suggests that this variant may not impact protein structure and function (internally defined REVEL score threshold <= 0.5, PMID: 27666373). To our knowledge, functional studies have not been reported for this variant. This variant has not been reported in individuals affected with MYBPC3-related disorders in the literature. This variant has been identified in 1/248986 chromosomes in the general population by the Genome Aggregation Database (gnomAD). The available evidence is insufficient to determine the role of this variant in disease conclusively. Therefore, this variant is classified as a Variant of Uncertain Significance.

This study involves interpretation of variants in research participants for the purpose of population health screening. Participant phenotype was not available at the time of variant classification. Additional details can be found in publication PMID: 35346344, PMCID: PMC8962531

Labcorp Genetics (formerly Invitae), Labcorp
Classification: Uncertain significance for Hypertrophic cardiomyopathy. Last evaluated: 2022-07-17. Review status: criteria provided, single submitter. Criteria: Invitae Variant Classification Sherloc (09022015). Collection method: clinical testing. Allele origin: germline.
Comment: This sequence change replaces methionine, which is neutral and non-polar, with valine, which is neutral and non-polar, at codon 1199 of the MYBPC3 protein (p.Met1199Val). This variant is present in population databases (no rsID available, gnomAD 0.007%). This variant has not been reported in the literature in individuals affected with MYBPC3-related conditions. ClinVar contains an entry for this variant (Variation ID: 923687). Algorithms developed to predict the effect of missense changes on protein structure and function output the following: SIFT: "Tolerated"; PolyPhen-2: "Benign"; Align-GVGD: "Class C0". The valine amino acid residue is found in multiple mammalian species, which suggests that this missense change does not adversely affect protein function. In summary, the available evidence is currently insufficient to determine the role of this variant in disease. Therefore, it has been classified as a Variant of Uncertain Significance.

NM_000256.3(MYBPC3):c.3595A>G (p.Met1199Val)

Gene: MYBPC3 (myosin binding protein C3; minus strand). Cytogenetic location: 11p11.2.
Variant type: single nucleotide variant.
Coding change: c.3595A>G on transcript NM_000256.3 (MANE Select); coding-DNA position 3595, A replaced by G.
Protein change: p.Met1199Val; replaces methionine 1199 with valine.
Molecular consequence: missense variant.
Genome position (GRCh38, 1-based): chr11:47,332,598, T>C on the plus strand (A>G on the coding strand, the complement: MYBPC3 is on the minus strand). VCF-style: chr11-47332598-T-C. GRCh37 (hg19) VCF-style: chr11-47354149-T-C.
Other names: short protein forms M1199V.
Identifiers: ClinVar variation 923687 (VCV000923687.10), dbSNP rs1218279399, ClinGen allele CA380312396.